The following is an entry in ClinVar:

ClinVar aggregate classification (germline): Likely benign (0 of 4 stars; one submission).

Conditions:
HLTF-related disorder. Also called: HLTF-related condition.

Allele frequency attached by ClinVar (database versions not stated): TOPMed 0.00003; gnomAD 0.00013; gnomAD exomes 0.00024; 1000 Genomes Project 30x 0.00031; 1000 Genomes Project 0.00040; ExAC 0.00047.
gnomAD v4.1: 356 of 1,576,100 alleles (0.023%); highest among the groups gnomAD compares: South Asian, 0.34%; 5 homozygotes.

Submission:

PreventionGenetics, part of Exact Sciences
Classification: Likely benign for HLTF-related condition. Last evaluated: 2020-10-28. Review status: no assertion criteria provided. Collection method: clinical testing. Allele origin: germline.
Comment: This variant is classified as likely benign based on ACMG/AMP sequence variant interpretation guidelines (Richards et al. 2015 PMID: 25741868, with internal and published modifications).

NM_003071.4(HLTF):c.1068C>T (p.Asp356=)

Gene: HLTF (helicase like transcription factor; minus strand). Cytogenetic location: 3q24.
Variant type: single nucleotide variant.
Coding change: c.1068C>T on transcript NM_003071.4 (MANE Select); coding-DNA position 1068, C replaced by T.
Protein change: p.Asp356=; no amino-acid change (aspartic acid 356 retained).
Molecular consequence: synonymous variant.
Genome position (GRCh38, 1-based): chr3:149,063,523, G>A on the plus strand (C>T on the coding strand, the complement: HLTF is on the minus strand). VCF-style: chr3-149063523-G-A. GRCh37 (hg19) VCF-style: chr3-148781310-G-A.
Other names: c.1068C>T, p.Asp356= (NM_001318934.2, NM_001318935.2, NM_139048.3).
Identifiers: ClinVar variation 3050310 (VCV003050310.2), dbSNP rs547442134, ClinGen allele CA2659364.